The following is an entry in ClinVar:

ClinVar aggregate classification (germline): Uncertain significance. Review status: criteria provided, multiple submitters, no conflicts (2 of 4 stars). 2 submissions from 2 submitters: Uncertain significance (2). Last evaluated 2025-06-15.

Conditions:
Hereditary cancer-predisposing syndrome. Also called: Hereditary Cancer Syndrome; Tumor predisposition; Neoplastic Syndromes, Hereditary; Hereditary neoplastic syndrome. Identifiers: Orphanet 140162, MedGen C0027672, MeSH D009386, MONDO:0015356.
Familial adenomatous polyposis 1 (FAP1). Also called: FAMILIAL ADENOMATOUS POLYPOSIS 1, ATTENUATED; POLYPOSIS, ADENOMATOUS INTESTINAL. Identifiers: MedGen C2713442, MONDO:0021056, OMIM 175100. Disease mechanism: loss of function.

gnomAD v4.1: 1 of 1,613,392 alleles (0.000062%); highest among the groups gnomAD compares: East Asian, 0.0022%; no homozygotes.

Submissions (2):

Ambry Genetics
Classification: Uncertain significance for Hereditary cancer-predisposing syndrome. Last evaluated: 2025-06-15. Review status: criteria provided, single submitter. Criteria: Ambry Variant Classification Scheme 2023. Collection method: clinical testing. Allele origin: germline.
Comment: The p.R2525S variant (also known as c.7573C>A), located in coding exon 15 of the APC gene, results from a C to A substitution at nucleotide position 7573. The arginine at codon 2525 is replaced by serine, an amino acid with dissimilar properties. This amino acid position is conserved. In addition, in silico predictors for this gene do not accurately predict pathogenicity. Based on the available evidence, the clinical significance of this variant remains unclear.

Labcorp Genetics (formerly Invitae), Labcorp
Classification: Uncertain significance for Familial adenomatous polyposis 1. Last evaluated: 2022-02-20. Review status: criteria provided, single submitter. Criteria: Invitae Variant Classification Sherloc (09022015). Collection method: clinical testing. Allele origin: germline.
Comment: In summary, the available evidence is currently insufficient to determine the role of this variant in disease. Therefore, it has been classified as a Variant of Uncertain Significance. Algorithms developed to predict the effect of missense changes on protein structure and function are either unavailable or do not agree on the potential impact of this missense change (SIFT: "Tolerated"; PolyPhen-2: "Probably Damaging"; Align-GVGD: "Class C0"). This variant has not been reported in the literature in individuals affected with APC-related conditions. This variant is not present in population databases (gnomAD no frequency). This sequence change replaces arginine, which is basic and polar, with serine, which is neutral and polar, at codon 2525 of the APC protein (p.Arg2525Ser).

NM_000038.6(APC):c.7573C>A (p.Arg2525Ser)

Gene: APC (APC regulator of Wnt signaling pathway; plus strand). Cytogenetic location: 5q22.2.
Variant type: single nucleotide variant.
Coding change: c.7573C>A on transcript NM_000038.6 (MANE Select); coding-DNA position 7573, C replaced by A.
Protein change: p.Arg2525Ser; replaces arginine 2525 with serine.
Molecular consequence: missense variant.
Genome position (GRCh38, 1-based): chr5:112,843,167, C>A. VCF-style: chr5-112843167-C-A. GRCh37 (hg19) VCF-style: chr5-112178864-C-A.
Other names: c.7573C>A, p.Arg2525Ser (NM_001127510.3, NM_001354895.2, NM_001407450.1); c.7519C>A, p.Arg2507Ser (NM_001127511.3); c.7627C>A, p.Arg2543Ser (NM_001354896.2, NM_001407447.1, NM_001407448.1 and 1 more transcripts); c.7603C>A, p.Arg2535Ser (NM_001354897.2); c.7498C>A, p.Arg2500Ser (NM_001354898.2); c.7489C>A, p.Arg2497Ser (NM_001354899.2); c.7450C>A, p.Arg2484Ser (NM_001354900.2); c.7396C>A, p.Arg2466Ser (NM_001354901.2, NM_001407453.1); and 12 more; short protein forms R2396S, R2484S, R2497S, R2518S, R2242S, R2424S, R2507S, R2515S.
Identifiers: ClinVar variation 2100054 (VCV002100054.5), dbSNP rs774952444, ClinGen allele CA16037789.
Genomic context (GRCh38, chr5:112,843,167, plus strand): 5'-CGAAAACTCCCACCTAATCTCAGTCCCACTATAGAGTATAATGATGGAAGACCAGCAAAG[C>A]GCCATGATATTGCACGGTCTCATTCTGAAAGTCCTTCTAGACTTCCAATCAATAGGTCAG-3'
Protein context (NP_000029.2, residues 2515-2535): IEYNDGRPAK[Arg2525Ser]HDIARSHSES